The following is an entry in ClinVar:

NM_016929.5(CLIC5):c.748C>T (p.Arg250Ter)

Gene: CLIC5 (chloride intracellular channel 5; minus strand). Cytogenetic location: 6p21.1.
Variant type: single nucleotide variant.
Coding change: c.748C>T on transcript NM_016929.5 (MANE Select); coding-DNA position 748, C replaced by T.
Protein change: p.Arg250Ter; replaces arginine 250 with a stop codon.
Molecular consequence: nonsense. On other transcripts: non-coding transcript variant (2).
Genome position (GRCh38, 1-based): chr6:45,903,096, G>A on the plus strand (C>T on the coding strand, the complement: CLIC5 is on the minus strand). VCF-style: chr6-45903096-G-A. GRCh37 (hg19) VCF-style: chr6-45870833-G-A.
Other names: c.1225C>T, p.Arg409Ter (NM_001114086.2, NM_001370650.1); c.631C>T, p.Arg211Ter (NM_001370649.1); short protein forms R211*, R250*, R409*.
Identifiers: ClinVar variation 2165522 (VCV002165522.4), dbSNP rs745860376, ClinGen allele CA3836675.

ClinVar aggregate classification (germline): Uncertain significance (1 of 4 stars; one submission).

Allele frequency attached by ClinVar (database versions not stated): gnomAD 0.00001; ExAC 0.00003; TOPMed 0.00003.

Submission:

Labcorp Genetics (formerly Invitae), Labcorp
Classification: Uncertain significance. Last evaluated: 2022-04-13. Review status: criteria provided, single submitter. Criteria: Invitae Variant Classification Sherloc (09022015). Collection method: clinical testing. Allele origin: germline.
Comment: This sequence change creates a premature translational stop signal (p.Arg409*) in the CLIC5 gene. While this is not anticipated to result in nonsense mediated decay, it is expected to disrupt the last 2 amino acid(s) of the CLIC5 protein. In summary, the available evidence is currently insufficient to determine the role of this variant in disease. Therefore, it has been classified as a Variant of Uncertain Significance. Experimental studies and prediction algorithms are not available or were not evaluated, and the functional significance of this variant is currently unknown. This variant has not been reported in the literature in individuals affected with CLIC5-related conditions. This variant is present in population databases (rs745860376, gnomAD 0.007%).